The following is an entry in ClinVar:

ClinVar aggregate classification (germline): Uncertain significance (1 of 4 stars; one submission).

Allele frequency attached by ClinVar (database versions not stated): gnomAD 0.00003; TOPMed 0.00006; ExAC 0.00010.
gnomAD v4.1: 88 of 1,601,516 alleles (0.0055%); highest among the groups gnomAD compares: East Asian, 0.0022%; no homozygotes.

Submission:

CeGaT Center for Human Genetics Tuebingen
Classification: Uncertain significance. Last evaluated: 2024-01-01. Review status: criteria provided, single submitter. Criteria: CeGaT Center For Human Genetics Tuebingen Variant Classification Criteria Version 2. Collection method: clinical testing. Allele origin: germline. Affected: yes. Observed: 1 variant allele.
Comment: CUL4A: PM2:Supporting, BP4

NM_001008895.4(CUL4A):c.1037C>G (p.Thr346Ser)

Gene: CUL4A (cullin 4A; plus strand). Cytogenetic location: 13q34.
Variant type: single nucleotide variant.
Coding change: c.1037C>G on transcript NM_001008895.4 (MANE Select); coding-DNA position 1037, C replaced by G.
Protein change: p.Thr346Ser; replaces threonine 346 with serine.
Molecular consequence: missense variant.
Genome position (GRCh38, 1-based): chr13:113,242,969, C>G. VCF-style: chr13-113242969-C-G. GRCh37 (hg19) VCF-style: chr13-113897283-C-G.
Other names: c.737C>G, p.Thr246Ser (NM_001278513.3, NM_001354938.2, NM_001354939.2 and 2 more transcripts); c.761C>G, p.Thr254Ser (NM_001278514.3); c.602C>G, p.Thr201Ser (NM_001354941.2, NM_001354942.2); short protein forms T201S, T246S, T254S, T346S.
Identifiers: ClinVar variation 3025547 (VCV003025547.22), dbSNP rs766324333, ClinGen allele CA7062101.
Genomic context (GRCh38, chr13:113,242,969, plus strand): 5'-GAAGATACTGTTTGCTATTGTAAACATGTTGCTGAGTTGGTATTGATTTGCTTTTGTAGA[C>G]TTTTGGAACAGCGATCGTAATCAATCCTGAGAAAGACAAAGACATGGTCCAAGACCTGTT-3'
Protein context (NP_001008895.1, residues 336-356): LLQHWSEYIK[Thr346Ser]FGTAIVINPE